The following is an entry in ClinVar:

ClinVar aggregate classification (germline): Conflicting classifications of pathogenicity. Review status: criteria provided, conflicting classifications (1 of 4 stars). 5 submissions from 5 submitters: Uncertain significance (2); Likely benign (3). Last evaluated 2025-10-17.

Conditions:
Inborn genetic diseases. Identifiers: MedGen C0950123, MeSH D030342.
Developmental and epileptic encephalopathy, 42 (DEE42A). Also called: DEVELOPMENTAL AND EPILEPTIC ENCEPHALOPATHY 42A; EPILEPTIC ENCEPHALOPATHY, EARLY INFANTILE, 42A; Epileptic encephalopathy, early infantile, 42. Identifiers: MedGen C4310716, MONDO:0014917, OMIM 617106.
Episodic ataxia type 2 (EA2). Also called: ATAXIA, EPISODIC, WITH NYSTAGMUS; ATAXIA, FAMILIAL PAROXYSMAL; CEREBELLAR ATAXIA, PAROXYSMAL, ACETAZOLAMIDE-RESPONSIVE; CEREBELLOPATHY, HEREDITARY PAROXYSMAL; ACETAZOLAMIDE-RESPONSIVE HEREDITARY PAROXYSMAL CEREBELLAR ATAXIA; EPISODIC ATAXIA, NYSTAGMUS-ASSOCIATED. Identifiers: Orphanet 97, MedGen C1720416, MONDO:0007163, OMIM 108500.

Allele frequency attached by ClinVar (database versions not stated): TOPMed 0.00007; gnomAD 0.00014 and 0.00015.
gnomAD v4.1: 50 of 1,510,628 alleles (0.0033%); highest among the groups gnomAD compares: Admixed American, 0.077%; no homozygotes.

Submissions (5):

Labcorp Genetics (formerly Invitae), Labcorp
Classification: Likely benign for Developmental and epileptic encephalopathy, 42; Episodic ataxia type 2. Last evaluated: 2025-10-17. Review status: criteria provided, single submitter. Criteria: Invitae Variant Classification Sherloc (09022015). Collection method: clinical testing. Allele origin: germline.

Ambry Genetics
Classification: Likely benign for Inborn genetic diseases. Last evaluated: 2025-05-26. Review status: criteria provided, single submitter. Criteria: Ambry Variant Classification Scheme 2023. Collection method: clinical testing. Allele origin: germline.

CeGaT Center for Human Genetics Tuebingen
Classification: Uncertain significance. Last evaluated: 2022-10-01. Review status: criteria provided, single submitter. Criteria: CeGaT Center For Human Genetics Tuebingen Variant Classification Criteria Version 2. Collection method: clinical testing. Allele origin: germline. Affected: yes. Observed: 1 variant allele.
Comment: CACNA1A: PP2

GeneDx
Classification: Likely benign. Last evaluated: 2021-05-18. Review status: criteria provided, single submitter. Criteria: GeneDx Variant Classification Process June 2021. Collection method: clinical testing. Allele origin: germline. Affected: yes.

Genomic Research Center, Shahid Beheshti University of Medical Sciences
Classification: Uncertain significance. Last evaluated: 2019-04-27. Review status: criteria provided, single submitter. Criteria: ACMG Guidelines, 2015. Collection method: clinical testing. Allele origin: unknown. Affected: yes.

NM_001127222.2(CACNA1A):c.5987C>T (p.Thr1996Met)

Gene: CACNA1A (calcium voltage-gated channel subunit alpha1 A; minus strand). Cytogenetic location: 19p13.13.
Variant type: single nucleotide variant.
Coding change: c.5987C>T on transcript NM_001127222.2 (MANE Select); coding-DNA position 5987, C replaced by T.
Protein change: p.Thr1996Met; replaces threonine 1996 with methionine.
Molecular consequence: missense variant.
Genome position (GRCh38, 1-based): chr19:13,212,694, G>A on the plus strand (C>T on the coding strand, the complement: CACNA1A is on the minus strand). VCF-style: chr19-13212694-G-A. GRCh37 (hg19) VCF-style: chr19-13323508-G-A.
Other names: c.6005C>T, p.Thr2002Met (NM_000068.4, NM_023035.3); c.5990C>T, p.Thr1997Met (NM_001127221.2); c.5996C>T, p.Thr1999Met (NM_001174080.2); short protein forms T1997M, T1996M, T1999M, T2002M.
Identifiers: ClinVar variation 385307 (VCV000385307.44), dbSNP rs778274864, ClinGen allele CA9239512.
Genomic context (GRCh38, chr19:13,212,694, plus strand): 5'-GCTCCTCCTGGGTCCAGCTGGGTGGAGGGGAGGGCGTTCTGGCCAGGTCCCCCTTCCTGC[G>A]TTGGGGACGGGGGCTCCATGCGCTGGAACATGAGGGGTGTCCGGTCCTGGGGAATGGGGC-3'
Protein context (NP_001120694.1, residues 1986-2006): MFQRMEPPSP[Thr1996Met]QEGGPGQNAL